The following is an entry in ClinVar:

ClinVar aggregate classification (germline): Pathogenic (1 of 4 stars; one submission).

Conditions:
Inborn genetic diseases. Identifiers: MedGen C0950123, MeSH D030342.

Submission:

Ambry Genetics
Classification: Pathogenic for Inborn genetic diseases. Last evaluated: 2023-12-21. Review status: criteria provided, single submitter. Criteria: Ambry Variant Classification Scheme 2023. Collection method: clinical testing. Allele origin: germline.
Comment: The c.159delT (p.F53Lfs*11) alteration, located in exon 2 (coding exon 2) of the YARS gene, consists of a deletion of one nucleotide at position 159, causing a translational frameshift with a predicted alternate stop codon after 11 amino acids. This alteration is expected to result in loss of function by premature protein truncation or nonsense-mediated mRNA decay. Although biallelic loss of function of YARS has been associated with autosomal recessive cytoplasmic tyrosyl-tRNA synthetase deficiency, haploinsufficiency of YARS has not been established as a mechanism of disease for autosomal dominant YARS1-related intermediate Charcot-Marie-Tooth disease. Based on the available evidence, the YARS c.159delT (p.F53Lfs*11) alteration is classified as pathogenic for autosomal recessive cytoplasmic tyrosyl-tRNA synthetase deficiency; however, its clinical significance for autosomal dominant YARS1-related intermediate Charcot-Marie-Tooth disease is uncertain. Based on data from gnomAD, this allele has an overall frequency of 0.001% (2/282870) total alleles studied. Based on the available evidence, this alteration is classified as pathogenic.

NM_003680.4(YARS1):c.159del (p.Phe53fs)

Gene: YARS1 (tyrosyl-tRNA synthetase 1; minus strand). Cytogenetic location: 1p35.1.
Variant type: Deletion.
Coding change: c.159del on transcript NM_003680.4 (MANE Select); coding-DNA position 159, one base deleted (T; older notation c.159delT).
Protein change: p.Phe53fs; shifts the reading frame from phenylalanine 53.
Molecular consequence: frameshift variant.
Genome position (GRCh38, 1-based): chr1:32,810,956, A deleted on the plus strand (T on the coding strand, the reverse complement: YARS1 is on the minus strand); the first of 3 consecutive A bases (chr1:32,810,956-32,810,958); deleting any one gives the same sequence. VCF-style (leftmost placement, unchanged base first): chr1-32810955-CA-C. GRCh37 (hg19) VCF-style: chr1-33276556-CA-C.
Other names: c.159delT (NM_003680.3); short protein forms F53fs.
Identifiers: ClinVar variation 3191405 (VCV003191405.1), dbSNP rs745530646, ClinGen allele CA745273.